The following is an entry in ClinVar:

ClinVar aggregate classification (germline): Uncertain significance. Review status: criteria provided, multiple submitters, no conflicts (2 of 4 stars). 3 submissions from 3 submitters: Uncertain significance (3). Last evaluated 2025-12-08.

Allele frequency attached by ClinVar (database versions not stated): 1000 Genomes Project 30x 0.00047.
gnomAD v4.1: 95 of 1,409,980 alleles (0.0067%); highest among the groups gnomAD compares: African/African-American, 0.13%; no homozygotes.

Submissions (3):

Labcorp Genetics (formerly Invitae), Labcorp
Classification: Uncertain significance. Last evaluated: 2025-12-08. Review status: criteria provided, single submitter. Criteria: Invitae Variant Classification Sherloc (09022015). Collection method: clinical testing. Allele origin: germline.
Comment: This sequence change replaces alanine, which is neutral and non-polar, with aspartic acid, which is acidic and polar, at codon 69 of the CTDP1 protein (p.Ala69Asp). This variant is present in population databases (rs771395058, gnomAD 0.1%). This variant has not been reported in the literature in individuals affected with CTDP1-related conditions. ClinVar contains an entry for this variant (Variation ID: 1351920). An algorithm developed to predict the effect of missense changes on protein structure and function (PolyPhen-2) suggests that this variant is likely to be tolerated. In summary, the available evidence is currently insufficient to determine the role of this variant in disease. Therefore, it has been classified as a Variant of Uncertain Significance.

Ambry Genetics
Classification: Uncertain significance. Last evaluated: 2024-10-06. Review status: criteria provided, single submitter. Criteria: Ambry Variant Classification Scheme 2023. Collection method: clinical testing. Allele origin: germline.

Mayo Clinic Laboratories, Mayo Clinic
Classification: Uncertain significance. Last evaluated: 2023-01-12. Review status: criteria provided, single submitter. Criteria: ACMG Guidelines, 2015. Collection method: clinical testing. Allele origin: germline. Observed: 1 variant allele.
Comment: BP4

NM_004715.5(CTDP1):c.206C>A (p.Ala69Asp)

Gene: CTDP1 (CTD phosphatase subunit 1; plus strand). Cytogenetic location: 18q23.
Variant type: single nucleotide variant.
Coding change: c.206C>A on transcript NM_004715.5 (MANE Select); coding-DNA position 206, C replaced by A.
Protein change: p.Ala69Asp; replaces alanine 69 with aspartic acid.
Molecular consequence: missense variant.
Genome position (GRCh38, 1-based): chr18:79,680,153, C>A. VCF-style: chr18-79680153-C-A. GRCh37 (hg19) VCF-style: chr18-77440153-C-A.
Other names: p.Ala69Asp; c.206C>A (NM_004715.4); c.206C>A, p.Ala69Asp (NM_001318511.2, NM_048368.4); short protein forms A69D.
Identifiers: ClinVar variation 1351920 (VCV001351920.6), dbSNP rs771395058, ClinGen allele CA9009897.
Genomic context (GRCh38, chr18:79,680,153, plus strand): 5'-TGGCCGTGTTCGAGGCCGCCGCCTCCGCGCAGTCCTCCGGGGCCTCTCAGTCCCGTGTAG[C>A]CTCCGGGGGCTGCGTGCGCCCCGCGCGGCCGGAACGCAGGCTGAGGTCGGAGCGCGCGGG-3'
Protein context (NP_004706.3, residues 59-79): QSSGASQSRV[Ala69Asp]SGGCVRPARP